The following is an entry in ClinVar:

NM_001130182.2(DNAJA4):c.132+1348_132+1349del

Gene: DNAJA4 (DnaJ heat shock protein family (Hsp40) member A4; plus strand). Cytogenetic location: 15q25.1.
Variant type: Deletion.
Coding change: c.132+1348_132+1349del on transcript NM_001130182.2 (MANE Select); bases 1348 to 1349 of the intron after coding-DNA position 132, 2 bases deleted (AT; older notation c.132+1348_132+1349delAT).
Molecular consequence: intron variant. On other transcripts: frameshift variant (1), initiator codon variant (1).
Genome position (GRCh38, 1-based): chr15:78,266,243-78,266,244, AT deleted. VCF-style (leftmost placement, unchanged base first): chr15-78266242-CAT-C. GRCh37 (hg19) VCF-style: chr15-78558584-CAT-C.
Other names: c.219+1348_219+1349delAT (NM_018602.3); c.1_2del, p.Met1fs (NM_001130183.2); c.219+1348_219+1349del (NM_018602.4); c.132+1348_132+1349del (NM_001387386.1, NM_001387387.1, NM_001387385.1 and 1 more transcripts); c.186+709_186+710del (NM_001387384.1); short protein forms M1fs.
Identifiers: ClinVar variation 402789 (VCV000402789.5), dbSNP rs142025971, ClinGen allele CA7681684.

ClinVar aggregate classification (germline): Likely benign (1 of 4 stars; one submission).

Allele frequency attached by ClinVar (database versions not stated): 1000 Genomes Project 0.01837; 1000 Genomes Project 30x 0.01905; TOPMed 0.02918; gnomAD 0.02944 and 0.02999; ExAC 0.03215; gnomAD exomes 0.03227 and 0.03780; ESP Exome Variant Server 0.03524.

Submission:

Laboratory for Molecular Medicine, Mass General Brigham Personalized Medicine
Classification: Likely benign. Last evaluated: 2016-03-29. Review status: criteria provided, single submitter. Criteria: LMM Criteria. Collection method: clinical testing. Allele origin: germline.
Comment: Variant identified in a genome or exome case(s) and assessed due to predicted null impact of the variant or pathogenic assertions in the literature or databases. Disclaimer: This variant has not undergone full assessment. The following are preliminary notes: Frequency in 1000Genomes:63/2178=2.89%